The following is an entry in ClinVar:

ClinVar aggregate classification (germline): Conflicting classifications of pathogenicity. Review status: criteria provided, conflicting classifications (1 of 4 stars). 2 submissions from 2 submitters: Likely pathogenic (1); Uncertain significance (1). Last evaluated 2023-05-28.

Conditions:
Fanconi anemia complementation group D2. Also called: FANCD2-Related Fanconi Anemia; FANCONI PANCYTOPENIA, TYPE 4; FANCONI ANEMIA, COMPLEMENTATION GROUP D. Identifiers: Orphanet 84, MedGen C3160738, MONDO:0009214, OMIM 227646.
Fanconi anemia (FA). Also called: Fanconi's anemia. Identifiers: Orphanet 84, MedGen C0015625, MeSH D005199, MONDO:0019391.

Submissions (2):

Labcorp Genetics (formerly Invitae), Labcorp
Classification: Likely pathogenic for Fanconi anemia. Last evaluated: 2023-05-28. Review status: criteria provided, single submitter. Criteria: Invitae Variant Classification Sherloc (09022015). Collection method: clinical testing. Allele origin: germline.
Comment: Algorithms developed to predict the effect of sequence changes on RNA splicing suggest that this variant may disrupt the consensus splice site. In summary, the currently available evidence indicates that the variant is pathogenic, but additional data are needed to prove that conclusively. Therefore, this variant has been classified as Likely Pathogenic. This variant has not been reported in the literature in individuals affected with FANCD2-related conditions. This sequence change affects a donor splice site in intron 11 of the FANCD2 gene. It is expected to disrupt RNA splicing. Variants that disrupt the donor or acceptor splice site typically lead to a loss of protein function (PMID: 16199547), and loss-of-function variants in FANCD2 are known to be pathogenic (PMID: 17436244). This variant is not present in population databases (gnomAD no frequency).

Juno Genomics, Hangzhou Juno Genomics, Inc
Classification: Uncertain significance for Fanconi anemia complementation group D2. Review status: criteria provided, single submitter. Criteria: ACMG Guidelines, 2015. Collection method: clinical testing. Allele origin: germline.
Comment: Absent from controls (or at extremely low frequency if recessive) in Genome Aggregation Database.;Null variant in a gene where loss of function (LOF) is a known mechanism of disease.

Literature cited by the submitters: PubMed 16199547 (cited by Labcorp Genetics (formerly Invitae), Labcorp); PubMed 17436244 (cited by Labcorp Genetics (formerly Invitae), Labcorp).

NM_001018115.3(FANCD2):c.888+1G>A

Genes: FANCD2 (FA complementation group D2; plus strand), LOC107303338 (3p25 FANCD2 Alu-mediated recombination region; plus strand). Cytogenetic location: 3p25.3.
Variant type: single nucleotide variant.
Coding change: c.888+1G>A on transcript NM_001018115.3 (MANE Select); the canonical splice donor site of the intron after coding-DNA position 888, G replaced by A.
Molecular consequence: splice donor variant.
Genome position (GRCh38, 1-based): chr3:10,042,664, G>A. VCF-style: chr3-10042664-G-A. GRCh37 (hg19) VCF-style: chr3-10084348-G-A.
Other names: c.888+1G>A (NM_001319984.2, NM_001374253.1, NM_033084.6 and 1 more transcripts).
Identifiers: ClinVar variation 2759017 (VCV002759017.5), dbSNP rs2470754013, ClinGen allele CA351729151.